The following is an entry in ClinVar:

NM_001211.6(BUB1B):c.1870G>A (p.Glu624Lys)

Gene: BUB1B (BUB1 mitotic checkpoint serine/threonine kinase B; plus strand). Cytogenetic location: 15q15.1.
Variant type: single nucleotide variant.
Coding change: c.1870G>A on transcript NM_001211.6 (MANE Select); coding-DNA position 1870, G replaced by A.
Protein change: p.Glu624Lys; replaces glutamic acid 624 with lysine.
Molecular consequence: missense variant.
Genome position (GRCh38, 1-based): chr15:40,206,319, G>A. VCF-style: chr15-40206319-G-A. GRCh37 (hg19) VCF-style: chr15-40498520-G-A.
Other names: short protein forms E624K.
Identifiers: ClinVar variation 3221365 (VCV003221365.1), dbSNP rs2542564864, ClinGen allele CA391692572.
Genomic context (GRCh38, chr15:40,206,319, plus strand): 5'-AACCCAGAAGACACTTGTGACTTTGCCAGAGCAGCTCGTTTTGTATCCACTCCTTTTCAT[G>A]AGATAATGTCCTTGAAGGATCTCCCTTCTGATCCTGAGAGACTGTTACCGGAAGAAGATC-3'
Protein context (NP_001202.5, residues 614-634): AARFVSTPFH[Glu624Lys]IMSLKDLPSD

ClinVar aggregate classification (germline): Uncertain significance (1 of 4 stars; one submission).

Conditions:
Inborn genetic diseases. Identifiers: MedGen C0950123, MeSH D030342.

Submission:

Ambry Genetics
Classification: Uncertain significance for Inborn genetic diseases. Last evaluated: 2023-12-21. Review status: criteria provided, single submitter. Criteria: Ambry Variant Classification Scheme 2023. Collection method: clinical testing. Allele origin: germline.
Comment: The p.E624K variant (also known as c.1870G>A), located in coding exon 15 of the BUB1B gene, results from a G to A substitution at nucleotide position 1870. The glutamic acid at codon 624 is replaced by lysine, an amino acid with similar properties. This amino acid position is conserved. In addition, this alteration is predicted to be tolerated by in silico analysis. Since supporting evidence is limited at this time, the clinical significance of this alteration remains unclear.